The following is an entry in ClinVar:

ClinVar aggregate classification (germline): Pathogenic (1 of 4 stars; one submission).

Submission:

CeGaT Center for Human Genetics Tuebingen
Classification: Pathogenic. Last evaluated: 2024-01-01. Review status: criteria provided, single submitter. Criteria: CeGaT Center For Human Genetics Tuebingen Variant Classification Criteria Version 2. Collection method: clinical testing. Allele origin: germline. Affected: yes. Observed: 1 variant allele.
Comment: AGL: PVS1, PM2, PM3:Supporting

NM_000642.3(AGL):c.2714del (p.Asn905fs)

Gene: AGL (amylo-alpha-1,6-glucosidase and 4-alpha-glucanotransferase; plus strand). Cytogenetic location: 1p21.2.
Variant type: Deletion.
Coding change: c.2714del on transcript NM_000642.3 (MANE Select); coding-DNA position 2714, one base deleted (A; older notation c.2714delA).
Protein change: p.Asn905fs; shifts the reading frame from asparagine 905.
Molecular consequence: frameshift variant.
Genome position (GRCh38, 1-based): chr1:99,888,010, A deleted; the last of 3 consecutive A bases (chr1:99,888,008-99,888,010); deleting any one gives the same sequence. VCF-style (leftmost placement, unchanged base first): chr1-99888007-TA-T. GRCh37 (hg19) VCF-style: chr1-100353563-TA-T.
Other names: c.2714delA, p.Asn905Ilefs (NM_000028.3, NM_000643.3, NM_000644.3 and 2 more transcripts); c.2666delA, p.Asn889Ilefs (NM_000646.3); c.2513delA, p.Asn838Ilefs (NM_001425327.1); c.2510delA, p.Asn837Ilefs (NM_001425328.1); c.2375delA, p.Asn792Ilefs (NM_001425329.1); c.2336delA, p.Asn779Ilefs (NM_001425332.1); short protein forms N889fs, N905fs.
Identifiers: ClinVar variation 3026934 (VCV003026934.22), dbSNP rs2524699309, ClinGen allele CA2740090326.